The following is an entry in ClinVar:

ClinVar aggregate classification (germline): Uncertain significance (1 of 4 stars; one submission).

Allele frequency attached by ClinVar (database versions not stated): gnomAD 0.00001; gnomAD exomes 0.00002 and 0.00004; ExAC 0.00003.
gnomAD v4.1: 27 of 1,613,890 alleles (0.0017%); highest among the groups gnomAD compares: South Asian, 0.023%; no homozygotes.

Submission:

Labcorp Genetics (formerly Invitae), Labcorp
Classification: Uncertain significance. Last evaluated: 2021-11-19. Review status: criteria provided, single submitter. Criteria: Invitae Variant Classification Sherloc (09022015). Collection method: clinical testing. Allele origin: germline.
Comment: This sequence change replaces aspartic acid, which is acidic and polar, with asparagine, which is neutral and polar, at codon 1012 of the ERBB2 protein (p.Asp1012Asn). In summary, the available evidence is currently insufficient to determine the role of this variant in disease. Therefore, it has been classified as a Variant of Uncertain Significance. Algorithms developed to predict the effect of missense changes on protein structure and function (SIFT, PolyPhen-2, Align-GVGD) all suggest that this variant is likely to be tolerated. This variant has not been reported in the literature in individuals affected with ERBB2-related conditions. This variant is present in population databases (rs774520188, gnomAD 0.04%).

NM_004448.4(ERBB2):c.3034G>A (p.Asp1012Asn)

Gene: ERBB2 (erb-b2 receptor tyrosine kinase 2; plus strand). Cytogenetic location: 17q12.
Variant type: single nucleotide variant.
Coding change: c.3034G>A on transcript NM_004448.4 (MANE Select); coding-DNA position 3034, G replaced by A.
Protein change: p.Asp1012Asn; replaces aspartic acid 1012 with asparagine.
Molecular consequence: missense variant. On other transcripts: non-coding transcript variant (1), intron variant (1).
Genome position (GRCh38, 1-based): chr17:39,726,878, G>A. VCF-style: chr17-39726878-G-A. GRCh37 (hg19) VCF-style: chr17-37883131-G-A.
Other names: c.1996G>A, p.Asp666Asn (NM_001382806.1); c.2209-417G>A (NM_001382805.1); c.2944G>A, p.Asp982Asn (NM_001005862.3, NM_001382782.1, NM_001382783.1); c.2989G>A, p.Asp997Asn (NM_001289936.2); c.3034G>A, p.Asp1012Asn (NM_001289937.2, NM_001382796.1); c.3151G>A, p.Asp1051Asn (NM_001382784.1); c.3136G>A, p.Asp1046Asn (NM_001382785.1); c.3115G>A, p.Asp1039Asn (NM_001382786.1); and 15 more; short protein forms D1009N, D1022N, D1039N, D1046N, D944N, D952N, D982N, D998N.
Identifiers: ClinVar variation 1419601 (VCV001419601.6), dbSNP rs774520188, ClinGen allele CA8534452.